The following is an entry in ClinVar:

ClinVar aggregate classification (germline): Pathogenic. Review status: criteria provided, multiple submitters, no conflicts (2 of 4 stars). 3 submissions from 3 submitters: Pathogenic (3). Last evaluated 2024-07-23.

Conditions:
Retinitis pigmentosa 39 (RP39). Identifiers: Orphanet 791, MedGen C3151138, MONDO:0013436, OMIM 613809.

Submissions (3):

Labcorp Genetics (formerly Invitae), Labcorp
Classification: Pathogenic. Last evaluated: 2024-07-23. Review status: criteria provided, single submitter. Criteria: Invitae Variant Classification Sherloc (09022015). Collection method: clinical testing. Allele origin: germline.
Comment: This sequence change affects a donor splice site in intron 58 of the USH2A gene. It is expected to disrupt RNA splicing. Variants that disrupt the donor or acceptor splice site typically lead to a loss of protein function (PMID: 16199547), and loss-of-function variants in USH2A are known to be pathogenic (PMID: 10729113, 10909849, 20507924, 25649381). This variant is not present in population databases (gnomAD no frequency). Disruption of this splice site has been observed in individuals with retinitis pigmentosa and/or Usher syndrome (PMID: 25356976, 31054281, 31736247, 32675063). Algorithms developed to predict the effect of sequence changes on RNA splicing suggest that this variant may disrupt the consensus splice site. For these reasons, this variant has been classified as Pathogenic.

GeneDx
Classification: Pathogenic. Last evaluated: 2024-04-17. Review status: criteria provided, single submitter. Criteria: GeneDx Variant Classification Process June 2021. Collection method: clinical testing. Allele origin: germline. Affected: yes.
Comment: Canonical splice site variant predicted to result in a null allele in a gene for which loss of function is a known mechanism of disease; Not observed at significant frequency in large population cohorts (gnomAD); This variant is associated with the following publications: (PMID: 36729443, 25356976, 32188678, 32675063, 36110214, 34416374, 31054281)

Baylor Genetics
Classification: Pathogenic for Retinitis pigmentosa 39. Last evaluated: 2023-12-12. Review status: criteria provided, single submitter. Criteria: ACMG Guidelines, 2015. Collection method: clinical testing. Allele origin: unknown.

Literature cited by the submitters: PubMed 16199547 (cited by Labcorp Genetics (formerly Invitae), Labcorp); PubMed 10729113 (cited by Labcorp Genetics (formerly Invitae), Labcorp); PubMed 10909849 (cited by Labcorp Genetics (formerly Invitae), Labcorp); PubMed 20507924 (cited by Labcorp Genetics (formerly Invitae), Labcorp); PubMed 25649381 (cited by Labcorp Genetics (formerly Invitae), Labcorp); PubMed 25356976 (cited by Labcorp Genetics (formerly Invitae), Labcorp); PubMed 31054281 (cited by Labcorp Genetics (formerly Invitae), Labcorp); PubMed 31736247 (cited by Labcorp Genetics (formerly Invitae), Labcorp); PubMed 32675063 (cited by Labcorp Genetics (formerly Invitae), Labcorp).

NM_206933.4(USH2A):c.11389+1G>C

Gene: USH2A (usherin; minus strand). Cytogenetic location: 1q41.
Variant type: single nucleotide variant.
Coding change: c.11389+1G>C on transcript NM_206933.4 (MANE Select); the canonical splice donor site of the intron after coding-DNA position 11389, G replaced by C.
Molecular consequence: splice donor variant.
Genome position (GRCh38, 1-based): chr1:215,758,594, C>G on the plus strand (G>C on the coding strand, the complement: USH2A is on the minus strand). VCF-style: chr1-215758594-C-G. GRCh37 (hg19) VCF-style: chr1-215931936-C-G.
Identifiers: ClinVar variation 3240716 (VCV003240716.4), dbSNP rs368770647.